The following is an entry in ClinVar:

ClinVar aggregate classification (germline): Conflicting classifications of pathogenicity. Review status: criteria provided, conflicting classifications (1 of 4 stars). 2 submissions from 2 submitters: Pathogenic (1); Uncertain significance (1). Last evaluated 2022-07-05.

Conditions:
Developmental and epileptic encephalopathy 94 (DEE94). Also called: Epileptic encephalopathy, childhood-onset; CHD2-Related Neurodevelopmental Disorders. Identifiers: Orphanet 1942, Orphanet 2382, MedGen C3809278, MONDO:0014150, OMIM 615369.

Submissions (2):

Labcorp Genetics (formerly Invitae), Labcorp
Classification: Pathogenic for Developmental and epileptic encephalopathy 94. Last evaluated: 2022-07-05. Review status: criteria provided, single submitter. Criteria: Invitae Variant Classification Sherloc (09022015). Collection method: clinical testing. Allele origin: germline.
Comment: This missense change has been observed in individual(s) with clinical features of CHD2-related conditions (Invitae). In at least one individual the variant was observed to be de novo. This variant is not present in population databases (gnomAD no frequency). This sequence change replaces glycine, which is neutral and non-polar, with glutamic acid, which is acidic and polar, at codon 646 of the CHD2 protein (p.Gly646Glu). For these reasons, this variant has been classified as Pathogenic. Advanced modeling of protein sequence and biophysical properties (such as structural, functional, and spatial information, amino acid conservation, physicochemical variation, residue mobility, and thermodynamic stability) performed at Invitae indicates that this missense variant is expected to disrupt CHD2 protein function. ClinVar contains an entry for this variant (Variation ID: 560972).

Baylor Genetics
Classification: Uncertain significance for Developmental and epileptic encephalopathy 94. Last evaluated: 2017-09-01. Review status: criteria provided, single submitter. Criteria: ACMG Guidelines, 2015. Collection method: clinical testing. Allele origin: de novo. Inheritance: Autosomal dominant inheritance. Affected: yes.

Literature cited by the submitters: PubMed 25326635 (cited by Baylor Genetics).

NM_001271.4(CHD2):c.1937G>A (p.Gly646Glu)

Gene: CHD2 (chromodomain helicase DNA binding protein 2; plus strand). Cytogenetic location: 15q26.1.
Variant type: single nucleotide variant.
Coding change: c.1937G>A on transcript NM_001271.4 (MANE Select); coding-DNA position 1937, G replaced by A.
Protein change: p.Gly646Glu; replaces glycine 646 with glutamic acid.
Molecular consequence: missense variant.
Genome position (GRCh38, 1-based): chr15:92,956,586, G>A. VCF-style: chr15-92956586-G-A. GRCh37 (hg19) VCF-style: chr15-93499816-G-A.
Other names: short protein forms G646E.
Identifiers: ClinVar variation 560972 (VCV000560972.13), dbSNP rs1567141162, ClinGen allele CA393906486.